The following is an entry in ClinVar:

ClinVar aggregate classification (germline): Likely benign (1 of 4 stars; one submission).

Submission:

CeGaT Center for Human Genetics Tuebingen
Classification: Likely benign. Last evaluated: 2026-01-01. Review status: criteria provided, single submitter. Criteria: CeGaT Center For Human Genetics Tuebingen Variant Classification Criteria Version 2. Collection method: clinical testing. Allele origin: germline. Affected: yes. Observed: 1 variant allele.
Comment: MAML2: BP4, BP7

NM_032427.4(MAML2):c.1788G>A (p.Gln596=)

Gene: MAML2 (mastermind like transcriptional coactivator 2; minus strand). Cytogenetic location: 11q21.
Variant type: single nucleotide variant.
Coding change: c.1788G>A on transcript NM_032427.4 (MANE Select); coding-DNA position 1788, G replaced by A.
Protein change: p.Gln596=; no amino-acid change (glutamine 596 retained).
Molecular consequence: synonymous variant.
Genome position (GRCh38, 1-based): chr11:96,092,243, C>T on the plus strand (G>A on the coding strand, the complement: MAML2 is on the minus strand). VCF-style: chr11-96092243-C-T. GRCh37 (hg19) VCF-style: chr11-95825407-C-T.
Identifiers: ClinVar variation 4820790 (VCV004820790.4).